The following is an entry in ClinVar:

NM_000165.5(GJA1):c.158G>A (p.Arg53His)

Gene: GJA1 (gap junction protein alpha 1; plus strand). Cytogenetic location: 6q22.31.
Variant type: single nucleotide variant.
Coding change: c.158G>A on transcript NM_000165.5 (MANE Select); coding-DNA position 158, G replaced by A.
Protein change: p.Arg53His; replaces arginine 53 with histidine.
Molecular consequence: missense variant.
Genome position (GRCh38, 1-based): chr6:121,447,005, G>A. VCF-style: chr6-121447005-G-A. GRCh37 (hg19) VCF-style: chr6-121768151-G-A.
Other names: short protein forms R53H.
Identifiers: ClinVar variation 2148493 (VCV002148493.4), dbSNP rs2536821268, ClinGen allele CA365558039.
Genomic context (GRCh38, chr6:121,447,005, plus strand): 5'-GAATCCTGCTGCTGGGGACAGCGGTTGAGTCAGCCTGGGGAGATGAGCAGTCTGCCTTTC[G>A]TTGTAACACTCAGCAACCTGGTTGTGAAAATGTCTGCTATGACAAGTCTTTCCCAATCTC-3'
Protein context (NP_000156.1, residues 43-63): SAWGDEQSAF[Arg53His]CNTQQPGCEN

ClinVar aggregate classification (germline): Uncertain significance (1 of 4 stars; one submission).

Conditions:
Oculodentodigital dysplasia, autosomal recessive. Also called: OCULODENTOOSSEOUS DYSPLASIA, AUTOSOMAL RECESSIVE; ODDD, AUTOSOMAL RECESSIVE; ODOD, AUTOSOMAL RECESSIVE. Identifiers: Orphanet 2710, MedGen C2749477, MONDO:0009768, OMIM 257850.

Submission:

Labcorp Genetics (formerly Invitae), Labcorp
Classification: Uncertain significance for Oculodentodigital dysplasia, autosomal recessive. Last evaluated: 2022-04-25. Review status: criteria provided, single submitter. Criteria: Invitae Variant Classification Sherloc (09022015). Collection method: clinical testing. Allele origin: germline.
Comment: In summary, the available evidence is currently insufficient to determine the role of this variant in disease. Therefore, it has been classified as a Variant of Uncertain Significance. Algorithms developed to predict the effect of missense changes on protein structure and function (SIFT, PolyPhen-2, Align-GVGD) all suggest that this variant is likely to be tolerated. This variant has not been reported in the literature in individuals affected with GJA1-related conditions. This variant is not present in population databases (gnomAD no frequency). This sequence change replaces arginine, which is basic and polar, with histidine, which is basic and polar, at codon 53 of the GJA1 protein (p.Arg53His).